The following is an entry in ClinVar:

NM_001394062.1(MACF1):c.15286G>A (p.Ala5096Thr)

Gene: MACF1 (microtubule actin crosslinking factor 1; plus strand). Cytogenetic location: 1p34.3.
Variant type: single nucleotide variant.
Coding change: c.15286G>A on transcript NM_001394062.1 (MANE Select); coding-DNA position 15286, G replaced by A.
Protein change: p.Ala5096Thr; replaces alanine 5096 with threonine.
Molecular consequence: missense variant.
Genome position (GRCh38, 1-based): chr1:39,388,128, G>A. VCF-style: chr1-39388128-G-A. GRCh37 (hg19) VCF-style: chr1-39853800-G-A.
Other names: c.9100G>A, p.Ala3034Thr (NM_012090.5); short protein forms A3034T, A5096T.
Identifiers: ClinVar variation 1541500 (VCV001541500.10), dbSNP rs6691379, ClinGen allele CA782372.

ClinVar aggregate classification (germline): Benign. Review status: criteria provided, multiple submitters, no conflicts (2 of 4 stars). 3 submissions from 3 submitters: Benign (2). 1 of the submissions does not count toward it. Last evaluated 2026-01-05.

Conditions:
MACF1-related disorder. Also called: MACF1-related condition.

Allele frequency attached by ClinVar (database versions not stated): gnomAD exomes 0.00095 and 0.00278; ExAC 0.00333; 1000 Genomes Project 30x 0.01077; gnomAD 0.01077 and 0.01131; 1000 Genomes Project 0.01098; TOPMed 0.01150; ESP Exome Variant Server 0.01238.
gnomAD v4.1: 3,091 of 1,614,080 alleles (0.19%); highest among the groups gnomAD compares: African/African-American, 3.6%; 58 homozygotes.

Submissions (3):

Labcorp Genetics (formerly Invitae), Labcorp
Classification: Benign. Last evaluated: 2026-01-05. Review status: criteria provided, single submitter. Criteria: Invitae Variant Classification Sherloc (09022015). Collection method: clinical testing. Allele origin: germline.

Breakthrough Genomics
Classification: Benign. Review status: criteria provided, single submitter. Criteria: ACMG Guidelines, 2015. Collection method: not provided. Allele origin: germline. Inheritance: Autosomal dominant inheritance. Affected: yes.

PreventionGenetics, part of Exact Sciences
Classification: Benign for MACF1-related condition. Last evaluated: 2024-03-21. Review status: no assertion criteria provided. Collection method: clinical testing. Allele origin: germline. Not counted in ClinVar's aggregate classification.
Comment: This variant is classified as benign based on ACMG/AMP sequence variant interpretation guidelines (Richards et al. 2015 PMID: 25741868, with internal and published modifications).